The following is an entry in ClinVar:

ClinVar aggregate classification (germline): Uncertain significance (1 of 4 stars; one submission).

Submission:

GeneDx
Classification: Uncertain significance. Last evaluated: 2025-07-12. Review status: criteria provided, single submitter. Criteria: GeneDx Variant Classification Process June 2021. Collection method: clinical testing. Allele origin: germline. Affected: yes.
Comment: Not observed at significant frequency in large population cohorts (gnomAD); In silico analysis supports that this missense variant has a deleterious effect on protein structure/function; Has not been previously published as pathogenic or benign to our knowledge

NM_001374828.1(ARID1B):c.2589G>A (p.Met863Ile)

Gene: ARID1B (AT-rich interaction domain 1B; plus strand). Cytogenetic location: 6q25.3.
Variant type: single nucleotide variant.
Coding change: c.2589G>A on transcript NM_001374828.1 (MANE Select); coding-DNA position 2589, G replaced by A.
Protein change: p.Met863Ile; replaces methionine 863 with isoleucine.
Molecular consequence: missense variant.
Genome position (GRCh38, 1-based): chr6:157,133,035, G>A. VCF-style: chr6-157133035-G-A. GRCh37 (hg19) VCF-style: chr6-157454169-G-A.
Other names: c.2340G>A, p.Met780Ile (NM_001346813.1); c.90G>A, p.Met30Ile (NM_001363725.2); c.2628G>A, p.Met876Ile (NM_001371656.1, NM_001374820.1); c.2589G>A, p.Met863Ile (NM_017519.3); c.2379G>A, p.Met793Ile (NM_020732.3); c.2166G>A, p.Met722Ile (NM_175863.2); short protein forms M30I, M722I, M780I, M793I, M863I, M876I.
Identifiers: ClinVar variation 2574513 (VCV002574513.2), dbSNP rs1224553179, ClinGen allele CA366388209.